The following is an entry in ClinVar:

ClinVar aggregate classification (germline): Benign (1 of 4 stars; one submission).

Allele frequency attached by ClinVar (database versions not stated): 1000 Genomes Project 0.37320; 1000 Genomes Project 30x 0.37352; TOPMed 0.40706; gnomAD 0.41539 and 0.42042.
gnomAD v4.1: 63,045 of 151,994 alleles (41%); highest among the groups gnomAD compares: Middle Eastern, 47%; 13,206 homozygotes.

Submission:

GeneDx
Classification: Benign. Last evaluated: 2018-06-19. Review status: criteria provided, single submitter. Criteria: GeneDx Variant Classification (06012015). Collection method: clinical testing. Allele origin: germline. Affected: yes.
Comment: This variant is considered likely benign or benign based on one or more of the following criteria: it is a conservative change, it occurs at a poorly conserved position in the protein, it is predicted to be benign by multiple in silico algorithms, and/or has population frequency not consistent with disease.

NM_020433.5(JPH2):c.379+279C>A

Gene: JPH2 (junctophilin 2; minus strand). Cytogenetic location: 20q13.12.
Variant type: single nucleotide variant.
Coding change: c.379+279C>A on transcript NM_020433.5 (MANE Select); 279 bases into the intron after coding-DNA position 379, C replaced by A.
Molecular consequence: intron variant.
Genome position (GRCh38, 1-based): chr20:44,186,048, G>T on the plus strand (C>A on the coding strand, the complement: JPH2 is on the minus strand). VCF-style: chr20-44186048-G-T. GRCh37 (hg19) VCF-style: chr20-42814688-G-T.
Other names: c.379+279C>A (NM_175913.4).
Identifiers: ClinVar variation 683545 (VCV000683545.1), dbSNP rs2092518, ClinGen allele CA14788662.